The following is an entry in ClinVar:

ClinVar aggregate classification (germline): Uncertain significance (1 of 4 stars; one submission).

Allele frequency attached by ClinVar (database versions not stated): gnomAD 0.00001; gnomAD exomes 0.00001 and 0.00004; TOPMed 0.00002.
gnomAD v4.1: 58 of 1,611,324 alleles (0.0036%); highest among the groups gnomAD compares: Non-Finnish European, 0.0049%; no homozygotes.

Submission:

Labcorp Genetics (formerly Invitae), Labcorp
Classification: Uncertain significance. Last evaluated: 2021-11-02. Review status: criteria provided, single submitter. Criteria: Invitae Variant Classification Sherloc (09022015). Collection method: clinical testing. Allele origin: germline.
Comment: This variant has not been reported in the literature in individuals affected with MYH7B-related conditions. Algorithms developed to predict the effect of missense changes on protein structure and function (SIFT, PolyPhen-2, Align-GVGD) all suggest that this variant is likely to be disruptive. In summary, the available evidence is currently insufficient to determine the role of this variant in disease. Therefore, it has been classified as a Variant of Uncertain Significance. This variant is present in population databases (no rsID available, gnomAD 0.003%). This sequence change replaces glutamic acid, which is acidic and polar, with glycine, which is neutral and non-polar, at codon 1874 of the MYH7B protein (p.Glu1874Gly).

NM_020884.7(MYH7B):c.5495A>G (p.Glu1832Gly)

Gene: MYH7B (myosin heavy chain 7B; plus strand). Cytogenetic location: 20q11.22.
Variant type: single nucleotide variant.
Coding change: c.5495A>G on transcript NM_020884.7 (MANE Select); coding-DNA position 5495, A replaced by G.
Protein change: p.Glu1832Gly; replaces glutamic acid 1832 with glycine.
Molecular consequence: missense variant.
Genome position (GRCh38, 1-based): chr20:35,001,264, A>G. VCF-style: chr20-35001264-A-G. GRCh37 (hg19) VCF-style: chr20-33589067-A-G.
Other names: short protein forms E1832G.
Identifiers: ClinVar variation 1497744 (VCV001497744.6), dbSNP rs1426224395, ClinGen allele CA408719559.